The following is an entry in ClinVar:

ClinVar aggregate classification (germline): Uncertain significance (1 of 4 stars; one submission).

Conditions:
Immunodeficiency 35 (IMD35). Also called: TYK2 DEFICIENCY; HIES WITH ATYPICAL MYCOBACTERIOSIS, AUTOSOMAL RECESSIVE; HYPER-IgE SYNDROME WITH ATYPICAL MYCOBACTERIOSIS, AUTOSOMAL RECESSIVE; Susceptibility to infection due to TYK2 deficiency. Identifiers: Orphanet 331226, MedGen C1969086, MONDO:0012682, OMIM 611521.

Submission:

Labcorp Genetics (formerly Invitae), Labcorp
Classification: Uncertain significance for Immunodeficiency 35. Last evaluated: 2018-04-10. Review status: criteria provided, single submitter. Criteria: Invitae Variant Classification Sherloc (09022015). Collection method: clinical testing. Allele origin: germline.
Comment: This sequence change replaces glycine with aspartic acid at codon 27 of the TYK2 protein (p.Gly27Asp). The glycine residue is moderately conserved and there is a moderate physicochemical difference between glycine and aspartic acid. This variant is not present in population databases (ExAC no frequency). This variant has not been reported in the literature in individuals with TYK2-related disease. Algorithms developed to predict the effect of missense changes on protein structure and function do not agree on the potential impact of this missense change (SIFT: "Tolerated"; PolyPhen-2: "Probably Damaging"; Align-GVGD: "Class C0"). In summary, the available evidence is currently insufficient to determine the role of this variant in disease. Therefore, it has been classified as a Variant of Uncertain Significance.

NM_003331.5(TYK2):c.80G>A (p.Gly27Asp)

Gene: TYK2 (tyrosine kinase 2; minus strand). Cytogenetic location: 19p13.2.
Variant type: single nucleotide variant.
Coding change: c.80G>A on transcript NM_003331.5 (MANE Select); coding-DNA position 80, G replaced by A.
Protein change: p.Gly27Asp; replaces glycine 27 with aspartic acid.
Molecular consequence: missense variant.
Genome position (GRCh38, 1-based): chr19:10,378,327, C>T on the plus strand (G>A on the coding strand, the complement: TYK2 is on the minus strand). VCF-style: chr19-10378327-C-T. GRCh37 (hg19) VCF-style: chr19-10489003-C-T.
Other names: c.80G>A (LRG_121t1); short protein forms G27D.
Identifiers: ClinVar variation 582657 (VCV000582657.7), dbSNP rs753473919, ClinGen allele CA305220275.